The following is an entry in ClinVar:

ClinVar aggregate classification (germline): other (0 of 4 stars; one submission).

Conditions:
Familial colorectal cancer. Identifiers: MedGen CN280943, MONDO:0023113. Disease mechanism: loss of function.

Allele frequency attached by ClinVar (database versions not stated): TOPMed 0.00229; 1000 Genomes Project 30x 0.00937; 1000 Genomes Project 0.00998; gnomAD 0.00249.
gnomAD v4.1: 261 of 152,266 alleles (0.17%); highest among the groups gnomAD compares: East Asian, 4.7%; 2 homozygotes.

Submission:

Systems Biology Platform Zhejiang California International NanoSystems Institute
Classification: other for Familial colorectal cancer. Review status: no assertion criteria provided. Collection method: not provided. Allele origin: unknown.
ClinVar note: Converted during submission from cancer to other.

NM_000038.6(APC):c.835-4928C>T

Gene: APC (APC regulator of WNT signaling pathway; plus strand). Cytogenetic location: 5q22.2.
Variant type: single nucleotide variant.
Coding change: c.835-4928C>T on transcript NM_000038.6 (MANE Select); 4928 bases into the intron before coding-DNA position 835, C replaced by T.
Molecular consequence: intron variant.
Genome position (GRCh38, 1-based): chr5:112,810,567, C>T. VCF-style: chr5-112810567-C-T. GRCh37 (hg19) VCF-style: chr5-112146264-C-T.
Other names: c.835-4928C>T (NM_001354895.2, NM_001127510.3, NM_001354896.2 and 1 more transcripts); c.865-4928C>T (NM_001354897.2, NM_001354902.2); c.781-4928C>T (NM_001127511.3); c.760-4928C>T (NM_001354898.2, NM_001354904.2); c.-16+256C>T (NM_001354906.2); c.751-4928C>T (NM_001354899.2); c.658-4928C>T (NM_001354900.2, NM_001354901.2, NM_001354905.2).
Identifiers: ClinVar variation 82542 (VCV000082542.2), dbSNP rs75495165, ClinGen allele CA015246.
Genomic context (GRCh38, chr5:112,810,567, plus strand): 5'-ACGGAGAGTCTAGGTGTATTGGTGACCATAAATGTATATCGACAGCATCCTAAAGAGTTA[C>T]GTAAGTTTCTCACATGCTCAAATTTCTCTAATGCTGCCTGGCACTTCATGTCAGGGTGTA-3'